The following is an entry in ClinVar:

ClinVar aggregate classification (germline): Likely benign. Review status: criteria provided, multiple submitters, no conflicts (2 of 4 stars). 3 submissions from 3 submitters: Likely benign (3). Last evaluated 2025-02-05.

Conditions:
Cardiomyopathy (CMYO). Also called: Cardiomyopathies. Identifiers: Orphanet 167848, MedGen C0878544, MONDO:0004994, HP:0001638. Inheritance: Various modes of inheritance.
Catecholaminergic polymorphic ventricular tachycardia 1. Also called: VENTRICULAR TACHYCARDIA, CATECHOLAMINERGIC POLYMORPHIC, 1, WITH OR WITHOUT ATRIAL DYSFUNCTION AND/OR DILATED CARDIOMYOPATHY; RYR2-Related Catecholaminergic Polymorphic Ventricular Tachycardia; VENTRICULAR TACHYCARDIA, STRESS-INDUCED POLYMORPHIC 1. Identifiers: Orphanet 3286, MedGen C1631597, MONDO:0011484, OMIM 604772.

Allele frequency attached by ClinVar (database versions not stated): gnomAD exomes below 0.00001.
gnomAD v4.1: 2 of 1,613,296 alleles (0.00012%); highest among the groups gnomAD compares: South Asian, 0.0022%; no homozygotes.

Submissions (3):

Labcorp Genetics (formerly Invitae), Labcorp
Classification: Likely benign for Catecholaminergic polymorphic ventricular tachycardia 1. Last evaluated: 2025-02-05. Review status: criteria provided, single submitter. Criteria: Invitae Variant Classification Sherloc (09022015). Collection method: clinical testing. Allele origin: germline.

Color Diagnostics, LLC DBA Color Health
Classification: Likely benign for Cardiomyopathy. Last evaluated: 2022-10-18. Review status: criteria provided, single submitter. Criteria: ACMG Guidelines, 2015. Collection method: clinical testing. Allele origin: germline.

Laboratory for Molecular Medicine, Mass General Brigham Personalized Medicine
Classification: Likely benign. Last evaluated: 2012-05-10. Review status: criteria provided, single submitter. Criteria: LMM Criteria. Collection method: clinical testing. Allele origin: germline. Observed: 1 variant allele.
Comment: Phe1590Phe in exon 36 of RYR2: This variant is not expected to have clinical sig nificance because it does not alter an amino acid residue and is not located wit hin the splice consensus sequence. Phe1590Phe in exon 36 of RYR2 (allele frequ ency = n/a)

NM_001035.3(RYR2):c.4770C>T (p.Phe1590=)

Gene: RYR2 (ryanodine receptor 2; plus strand). Cytogenetic location: 1q43.
Variant type: single nucleotide variant.
Coding change: c.4770C>T on transcript NM_001035.3 (MANE Select); coding-DNA position 4770, C replaced by T.
Protein change: p.Phe1590=; no amino-acid change (phenylalanine 1590 retained).
Molecular consequence: synonymous variant.
Genome position (GRCh38, 1-based): chr1:237,610,848, C>T. VCF-style: chr1-237610848-C-T. GRCh37 (hg19) VCF-style: chr1-237774148-C-T.
Identifiers: ClinVar variation 43796 (VCV000043796.13), dbSNP rs397516536, ClinGen allele CA009687.
Genomic context (GRCh38, chr1:237,610,848, plus strand): 5'-ATTCAAGAGTGAGCACAAGAACCCCGTGCCGCAGTGCCCCCCGCGCCTCCACGTGCAGTT[C>T]CTGTCACACGTCCTGTGGAGCAGAATGCCCAACCAGTTTTTGAAGGTAGATGTGTCTCGA-3'
Protein context (NP_001026.2, residues 1580-1600): PQCPPRLHVQ[Phe1590=]LSHVLWSRMP